The following is an entry in ClinVar:

ClinVar aggregate classification (germline): Conflicting classifications of pathogenicity. Review status: criteria provided, conflicting classifications (1 of 4 stars). 2 submissions from 2 submitters: Likely pathogenic (1); Uncertain significance (1). Last evaluated 2024-01-18.

Conditions:
ACAN-related disorder. Also called: ACAN-related disorders; ACAN-related condition.

Submissions (2):

GeneDx
Classification: Uncertain significance. Last evaluated: 2024-01-18. Review status: criteria provided, single submitter. Criteria: GeneDx Variant Classification Process June 2021. Collection method: clinical testing. Allele origin: germline. Affected: yes.
Comment: Not observed at significant frequency in large population cohorts (gnomAD); In silico analysis supports that this missense variant has a deleterious effect on protein structure/function; Has not been previously published as pathogenic or benign to our knowledge

Blueprint Genetics
Classification: Likely pathogenic for ACAN-related disorders. Last evaluated: 2018-12-09. Review status: criteria provided, single submitter. Criteria: ACMG Guidelines, 2015. Collection method: clinical testing. Allele origin: germline. Affected: yes. Observed: 1 variant allele.

NM_001369268.1(ACAN):c.7426T>G (p.Phe2476Val)

Gene: ACAN (aggrecan; plus strand). Cytogenetic location: 15q26.1.
Variant type: single nucleotide variant.
Coding change: c.7426T>G on transcript NM_001369268.1 (MANE Select); coding-DNA position 7426, T replaced by G.
Protein change: p.Phe2476Val; replaces phenylalanine 2476 with valine.
Molecular consequence: missense variant.
Genome position (GRCh38, 1-based): chr15:88,873,004, T>G. VCF-style: chr15-88873004-T-G. GRCh37 (hg19) VCF-style: chr15-89416235-T-G.
Other names: c.7198T>G, p.Phe2400Val (NM_001135.4, NM_001411096.1); c.7312T>G, p.Phe2438Val (NM_001411097.1, NM_013227.4); short protein forms F2400V, F2438V, F2476V.
Identifiers: ClinVar variation 3367894 (VCV003367894.2).